The following is an entry in ClinVar:

ClinVar aggregate classification (germline): Uncertain significance (1 of 4 stars; one submission).

Submission:

CeGaT Center for Human Genetics Tuebingen
Classification: Uncertain significance. Last evaluated: 2022-07-01. Review status: criteria provided, single submitter. Criteria: CeGaT Center For Human Genetics Tuebingen Variant Classification Criteria Version 2. Collection method: clinical testing. Allele origin: germline. Affected: yes. Observed: 1 variant allele.
Comment: TTN: PM2

NM_001267550.2(TTN):c.45817G>A (p.Asp15273Asn)

Gene: TTN (titin; minus strand). Cytogenetic location: 2q31.2.
Variant type: single nucleotide variant.
Coding change: c.45817G>A on transcript NM_001267550.2 (MANE Select); coding-DNA position 45817, G replaced by A.
Protein change: p.Asp15273Asn; replaces aspartic acid 15273 with asparagine.
Molecular consequence: missense variant.
Genome position (GRCh38, 1-based): chr2:178,620,793, C>T on the plus strand (G>A on the coding strand, the complement: TTN is on the minus strand). VCF-style: chr2-178620793-C-T. GRCh37 (hg19) VCF-style: chr2-179485520-C-T.
Other names: c.40894G>A, p.Asp13632Asn (NM_001256850.1); c.18622G>A, p.Asp6208Asn (NM_003319.4); c.38113G>A, p.Asp12705Asn (NM_133378.4); c.18997G>A, p.Asp6333Asn (NM_133432.3); c.19198G>A, p.Asp6400Asn (NM_133437.4); short protein forms D12705N, D13632N, D15273N, D6208N, D6333N, D6400N.
Identifiers: ClinVar variation 2651641 (VCV002651641.24), dbSNP rs2471018354, ClinGen allele CA349631328.
Genomic context (GRCh38, chr2:178,620,793, plus strand): 5'-CTGCACTTTTAACATTTTCACCTCTGTGATTGGTCAAAGACACATTATAGTTGGCTTGGT[C>T]ATCTAAGTGTGCATCTCTAATTCTGAGGGTGTAGACTAGGTCTTTTTGGAGAATGATGTA-3'
Protein context (NP_001254479.2, residues 15263-15283): TLRIRDAHLD[Asp15273Asn]QANYNVSLTN